The following is an entry in ClinVar:

ClinVar aggregate classification (germline): Uncertain significance (1 of 4 stars; one submission).

Submission:

Labcorp Genetics (formerly Invitae), Labcorp
Classification: Uncertain significance. Last evaluated: 2024-01-02. Review status: criteria provided, single submitter. Criteria: Invitae Variant Classification Sherloc (09022015). Collection method: clinical testing. Allele origin: germline.
Comment: This sequence change replaces leucine, which is neutral and non-polar, with methionine, which is neutral and non-polar, at codon 335 of the FLAD1 protein (p.Leu335Met). This variant is not present in population databases (gnomAD no frequency). This variant has not been reported in the literature in individuals affected with FLAD1-related conditions. An algorithm developed to predict the effect of missense changes on protein structure and function (PolyPhen-2) suggests that this variant is likely to be disruptive. In summary, the available evidence is currently insufficient to determine the role of this variant in disease. Therefore, it has been classified as a Variant of Uncertain Significance.

NM_025207.5(FLAD1):c.1003C>A (p.Leu335Met)

Gene: FLAD1 (flavin adenine dinucleotide synthetase 1; plus strand). Cytogenetic location: 1q21.3.
Variant type: single nucleotide variant.
Coding change: c.1003C>A on transcript NM_025207.5 (MANE Select); coding-DNA position 1003, C replaced by A.
Protein change: p.Leu335Met; replaces leucine 335 with methionine.
Molecular consequence: missense variant.
Genome position (GRCh38, 1-based): chr1:154,988,735, C>A. VCF-style: chr1-154988735-C-A. GRCh37 (hg19) VCF-style: chr1-154961211-C-A.
Other names: c.712C>A, p.Leu238Met (NM_001184891.2, NM_201398.3); c.706C>A, p.Leu236Met (NM_001184892.2); short protein forms L335M, L236M, L238M.
Identifiers: ClinVar variation 2700935 (VCV002700935.3), dbSNP rs2525782887, ClinGen allele CA342748821.